The following is an entry in ClinVar:

ClinVar aggregate classification (germline): Likely pathogenic. Review status: criteria provided, multiple submitters, no conflicts (2 of 4 stars). 3 submissions from 3 submitters: Likely pathogenic (3). Last evaluated 2023-07-19.

Conditions:
PKD1-related disorder. Also called: PKD1-related condition.
Polycystic kidney disease, adult type (PKD1). Also called: POLYCYSTIC KIDNEY DISEASE 1 WITH OR WITHOUT POLYCYSTIC LIVER DISEASE; Polycystic Kidney Disease 1, Autosomal Dominant; Polycystic kidney disease 1; Polycystic kidney disease 1, severe; POLYCYSTIC KIDNEY DISEASE, ADULT, TYPE I; Polycystic Kidney, Autosomal Dominant. Identifiers: MedGen C3149841, MONDO:0008263, OMIM 173900.

gnomAD v4.1: 1 of 1,554,346 alleles (0.000064%); highest among the groups gnomAD compares: Non-Finnish European, 0.000086%; no homozygotes.

Submissions (3):

PreventionGenetics, part of Exact Sciences
Classification: Likely pathogenic for PKD1-related condition. Last evaluated: 2023-07-19. Review status: criteria provided, single submitter. Criteria: ACMG Guidelines, 2015. Collection method: clinical testing. Allele origin: germline.
Comment: The PKD1 c.11555T>C variant is predicted to result in the amino acid substitution p.Leu3852Pro. This variant has been reported to segregate in the heterozygous state with three affected and one unaffected individuals from a single family with autosomal dominant polycystic kidney disease (described as c.11552T>C, Family PKDFe18, Aguiari. 2000. PubMed ID: 11058904). This variant has not been reported in a large population database, indicating this variant is rare. This variant is interpreted as likely pathogenic.

Fulgent Genetics
Classification: Likely pathogenic for Polycystic kidney disease, adult type. Last evaluated: 2021-11-19. Review status: criteria provided, single submitter. Criteria: ACMG Guidelines, 2015. Collection method: clinical testing. Allele origin: unknown.

GeneDx
Classification: Likely pathogenic. Last evaluated: 2021-06-22. Review status: criteria provided, single submitter. Criteria: GeneDx Variant Classification Process June 2021. Collection method: clinical testing. Allele origin: germline. Affected: yes.
Comment: Not observed in large population cohorts (Lek et al., 2016); In silico analysis supports that this missense variant has a deleterious effect on protein structure/function; This variant is associated with the following publications: (PMID: 11058904, 11967008)

NM_001009944.3(PKD1):c.11555T>C (p.Leu3852Pro)

Genes: PKD1 (polycystin 1, transient receptor potential channel interacting; minus strand), PKD1-AS1 (PKD1 antisense RNA 1; plus strand). Cytogenetic location: 16p13.3.
Variant type: single nucleotide variant.
Coding change: c.11555T>C on transcript NM_001009944.3 (MANE Select); coding-DNA position 11555, T replaced by C.
Protein change: p.Leu3852Pro; replaces leucine 3852 with proline.
Molecular consequence: missense variant. On other transcripts: non-coding transcript variant (1).
Genome position (GRCh38, 1-based): chr16:2,091,580, A>G on the plus strand (T>C on the coding strand, the complement: PKD1 is on the minus strand). VCF-style: chr16-2091580-A-G. GRCh37 (hg19) VCF-style: chr16-2141581-A-G.
Other names: c.11552T>C, p.Leu3851Pro (NM_000296.4); short protein forms L3851P, L3852P.
Identifiers: ClinVar variation 1254751 (VCV001254751.4), dbSNP rs2151695909, ClinGen allele CA394332063.